The following is an entry in ClinVar:

NM_003072.5(SMARCA4):c.1430A>G (p.Asn477Ser)

Gene: SMARCA4 (SWI/SNF related BAF chromatin remodeling complex subunit ATPase 4; plus strand). Cytogenetic location: 19p13.2.
Variant type: single nucleotide variant.
Coding change: c.1430A>G on transcript NM_003072.5 (MANE Select); coding-DNA position 1430, A replaced by G.
Protein change: p.Asn477Ser; replaces asparagine 477 with serine.
Molecular consequence: missense variant. On other transcripts: non-coding transcript variant (1).
Genome position (GRCh38, 1-based): chr19:10,994,838, A>G. VCF-style: chr19-10994838-A-G. GRCh37 (hg19) VCF-style: chr19-11105514-A-G.
Other names: c.1430A>G, p.Asn477Ser (NM_001128844.3, NM_001128845.2, NM_001128846.2 and 4 more transcripts); short protein forms N477S.
Identifiers: ClinVar variation 968981 (VCV000968981.11), dbSNP rs748930248, ClinGen allele CA9203787.
Genomic context (GRCh38, chr19:10,994,838, plus strand): 5'-GTCCACCATGCTGCTGAAGGGTCAGCCTTCTCTTTTGTGCTTTCCTGCAGGAATACCTCA[A>G]TAGCATTCTCCAGCATGCCAAGGATTTCAAGGAATATCACAGATCCGTCACAGGCAAAAT-3'
Protein context (NP_003063.2, residues 467-487): KRRQKHQEYL[Asn477Ser]SILQHAKDFK

ClinVar aggregate classification (germline): Conflicting classifications of pathogenicity. Review status: criteria provided, conflicting classifications (1 of 4 stars). 3 submissions from 3 submitters: Uncertain significance (2); Likely benign (1). Last evaluated 2025-12-03.

Conditions:
Rhabdoid tumor predisposition syndrome 2 (RTPS2). Identifiers: Orphanet 231108, Orphanet 69077, MedGen C2750074, MONDO:0013224, OMIM 613325.
Hereditary cancer-predisposing syndrome. Also called: Neoplastic Syndromes, Hereditary; Hereditary Cancer Syndrome; Tumor predisposition; Hereditary neoplastic syndrome. Identifiers: Orphanet 140162, MedGen C0027672, MeSH D009386, MONDO:0015356.

Allele frequency attached by ClinVar (database versions not stated): gnomAD exomes below 0.00001 and 0.00001; TOPMed below 0.00001; ExAC 0.00001.
gnomAD v4.1: 7 of 1,614,050 alleles (0.00043%); highest among the groups gnomAD compares: South Asian, 0.0044%; no homozygotes.

Submissions (3):

Labcorp Genetics (formerly Invitae), Labcorp
Classification: Uncertain significance for Rhabdoid tumor predisposition syndrome 2. Last evaluated: 2025-12-03. Review status: criteria provided, single submitter. Criteria: Invitae Variant Classification Sherloc (09022015). Collection method: clinical testing. Allele origin: germline.
Comment: This sequence change replaces asparagine, which is neutral and polar, with serine, which is neutral and polar, at codon 477 of the SMARCA4 protein (p.Asn477Ser). This variant is present in population databases (rs748930248, gnomAD 0.01%). This variant has not been reported in the literature in individuals affected with SMARCA4-related conditions. ClinVar contains an entry for this variant (Variation ID: 968981). Invitae Evidence Modeling of protein sequence and biophysical properties (such as structural, functional, and spatial information, amino acid conservation, physicochemical variation, residue mobility, and thermodynamic stability) indicates that this missense variant is not expected to disrupt SMARCA4 protein function with a negative predictive value of 80%. In summary, the available evidence is currently insufficient to determine the role of this variant in disease. Therefore, it has been classified as a Variant of Uncertain Significance.

GeneDx
Classification: Uncertain significance. Last evaluated: 2024-05-22. Review status: criteria provided, single submitter. Criteria: GeneDx Variant Classification Process June 2021. Collection method: clinical testing. Allele origin: germline. Affected: yes.
Comment: In silico analysis indicates that this missense variant does not alter protein structure/function; Has not been previously published as pathogenic or benign to our knowledge

Ambry Genetics
Classification: Likely benign for Hereditary cancer-predisposing syndrome. Last evaluated: 2023-02-07. Review status: criteria provided, single submitter. Criteria: Ambry Variant Classification Scheme 2023. Collection method: clinical testing. Allele origin: germline.